The following is an entry in ClinVar:

ClinVar aggregate classification (germline): Uncertain significance. Review status: criteria provided, multiple submitters, no conflicts (2 of 4 stars). 2 submissions from 2 submitters: Uncertain significance (2). Last evaluated 2023-07-13.

Conditions:
Cardiomyopathy (CMYO). Also called: Cardiomyopathies. Identifiers: Orphanet 167848, MedGen C0878544, MONDO:0004994, HP:0001638. Inheritance: Various modes of inheritance.
Danon disease. Also called: Glycogen Storage Disease Type IIb; PSEUDOGLYCOGENOSIS II; ANTOPOL DISEASE; GSD IIb; LYSOSOMAL GLYCOGEN STORAGE DISEASE WITHOUT ACID MALTASE DEFICIENCY. Identifiers: Orphanet 34587, MedGen C0878677, MONDO:0010281, OMIM 300257.

Submissions (2):

Labcorp Genetics (formerly Invitae), Labcorp
Classification: Uncertain significance for Danon disease. Last evaluated: 2023-07-13. Review status: criteria provided, single submitter. Criteria: Invitae Variant Classification Sherloc (09022015). Collection method: clinical testing. Allele origin: germline.
Comment: In summary, the available evidence is currently insufficient to determine the role of this variant in disease. Therefore, it has been classified as a Variant of Uncertain Significance. An algorithm developed to predict the effect of missense changes on protein structure and function (PolyPhen-2) suggests that this variant is likely to be disruptive. ClinVar contains an entry for this variant (Variation ID: 1329243). This variant has not been reported in the literature in individuals affected with LAMP2-related conditions. This variant is not present in population databases (gnomAD no frequency). This sequence change replaces arginine, which is basic and polar, with leucine, which is neutral and non-polar, at codon 5 of the LAMP2 protein (p.Arg5Leu).

CHEO Genetics Diagnostic Laboratory, Children's Hospital of Eastern Ontario
Classification: Uncertain significance for Cardiomyopathy. Last evaluated: 2020-09-24. Review status: criteria provided, single submitter. Criteria: ACMG Guidelines, 2015. Collection method: clinical testing. Allele origin: germline.

NM_002294.3(LAMP2):c.14G>T (p.Arg5Leu)

Gene: LAMP2 (lysosome associated membrane protein 2; minus strand). Cytogenetic location: Xq24.
Variant type: single nucleotide variant.
Coding change: c.14G>T on transcript NM_002294.3 (MANE Select); coding-DNA position 14, G replaced by T.
Protein change: p.Arg5Leu; replaces arginine 5 with leucine.
Molecular consequence: missense variant.
Genome position (GRCh38, 1-based): chrX:120,469,156, C>A on the plus strand (G>T on the coding strand, the complement: LAMP2 is on the minus strand). VCF-style: chrX-120469156-C-A. GRCh37 (hg19) VCF-style: chrX-119603011-C-A.
Other names: c.14G>T, p.Arg5Leu (NM_001122606.1, NM_013995.2); short protein forms R5L.
Identifiers: ClinVar variation 1329243 (VCV001329243.6), dbSNP rs1921666685, ClinGen allele CA414398058.